The following is an entry in ClinVar:

ClinVar aggregate classification (germline): Uncertain significance. Review status: criteria provided, multiple submitters, no conflicts (2 of 4 stars). 3 submissions from 3 submitters: Uncertain significance (3). Last evaluated 2026-07-19.

Conditions:
Idiopathic Pulmonary Fibrosis. Also called: Idiopathic fibrosing alveolitis, chronic form; idiopathic fibrosing alveolitis. Identifiers: Orphanet 2032, MedGen C1800706, MeSH D054990, MONDO:0800504.
Dyskeratosis congenita, autosomal dominant 2. Identifiers: MedGen C3151443, MONDO:0013521, OMIM 613989.
Dyskeratosis congenita. Identifiers: Orphanet 1775, MedGen C0265965, MONDO:0015780.

gnomAD v4.1: 6 of 1,593,232 alleles (0.00038%); highest among the groups gnomAD compares: Middle Eastern, 0.033%; no homozygotes.

Submissions (3):

Ambry Genetics
Classification: Uncertain significance for Dyskeratosis congenita. Last evaluated: 2026-07-19. Review status: criteria provided, single submitter. Criteria: Ambry Variant Classification Scheme 2023. Collection method: clinical testing. Allele origin: germline.
Comment: The p.S206R variant (also known as c.618C>A), located in coding exon 2 of the TERT gene, results from a C to A substitution at nucleotide position 618. The serine at codon 206 is replaced by arginine, an amino acid with dissimilar properties. This amino acid position is conserved. In addition, this alteration is predicted to be tolerated by in silico analysis. Based on the available evidence, the clinical significance of this variant remains unclear.

Blueprint Genetics
Classification: Uncertain significance. Last evaluated: 2023-09-01. Review status: criteria provided, single submitter. Criteria: ACMG Guidelines, 2015. Collection method: clinical testing. Allele origin: germline.

Labcorp Genetics (formerly Invitae), Labcorp
Classification: Uncertain significance for Dyskeratosis congenita, autosomal dominant 2; Idiopathic Pulmonary Fibrosis. Last evaluated: 2022-08-07. Review status: criteria provided, single submitter. Criteria: Invitae Variant Classification Sherloc (09022015). Collection method: clinical testing. Allele origin: germline.
Comment: This sequence change replaces serine, which is neutral and polar, with arginine, which is basic and polar, at codon 206 of the TERT protein (p.Ser206Arg). This variant is not present in population databases (gnomAD no frequency). This variant has not been reported in the literature in individuals affected with TERT-related conditions. ClinVar contains an entry for this variant (Variation ID: 846940). Advanced modeling of protein sequence and biophysical properties (such as structural, functional, and spatial information, amino acid conservation, physicochemical variation, residue mobility, and thermodynamic stability) performed at Invitae indicates that this missense variant is not expected to disrupt TERT protein function. In summary, the available evidence is currently insufficient to determine the role of this variant in disease. Therefore, it has been classified as a Variant of Uncertain Significance.

NM_198253.3(TERT):c.618C>A (p.Ser206Arg)

Gene: TERT (telomerase reverse transcriptase; minus strand). Cytogenetic location: 5p15.33.
Variant type: single nucleotide variant.
Coding change: c.618C>A on transcript NM_198253.3 (MANE Select); coding-DNA position 618, C replaced by A.
Protein change: p.Ser206Arg; replaces serine 206 with arginine.
Molecular consequence: missense variant. On other transcripts: non-coding transcript variant (2).
Genome position (GRCh38, 1-based): chr5:1,294,268, G>T on the plus strand (C>A on the coding strand, the complement: TERT is on the minus strand). VCF-style: chr5-1294268-G-T. GRCh37 (hg19) VCF-style: chr5-1294383-G-T.
Other names: c.618C>A, p.Ser206Arg (NM_001193376.3); short protein forms S206R.
Identifiers: ClinVar variation 846940 (VCV000846940.45), dbSNP rs759142412, ClinGen allele CA359057165.